The following is an entry in ClinVar:

ClinVar aggregate classification (germline): Uncertain significance (1 of 4 stars; one submission).

Conditions:
TUB-related disorder. Also called: TUB-related condition.

Submission:

PreventionGenetics, part of Exact Sciences
Classification: Uncertain significance for TUB-related condition. Last evaluated: 2025-09-23. Review status: criteria provided, single submitter. Criteria: ACMG Guidelines, 2015. Collection method: clinical testing. Allele origin: germline.
Comment: The TUB c.1492T>G variant is predicted to result in the amino acid substitution p.Phe498Val. To our knowledge, this variant has not been reported in the literature or in a large population database (gnomAD), indicating this variant is rare. At this time, the clinical significance of this variant is uncertain due to the absence of conclusive functional and genetic evidence.

NM_177972.3(TUB):c.1327T>G (p.Phe443Val)

Genes: RIC3 (RIC3 acetylcholine receptor chaperone; minus strand), TUB (TUB bipartite transcription factor; plus strand). Cytogenetic location: 11p15.4.
Variant type: single nucleotide variant.
Coding change: c.1327T>G on transcript NM_177972.3 (MANE Select); coding-DNA position 1327, T replaced by G.
Protein change: p.Phe443Val; replaces phenylalanine 443 with valine.
Molecular consequence: missense variant.
Genome position (GRCh38, 1-based): chr11:8,100,937, T>G. VCF-style: chr11-8100937-T-G. GRCh37 (hg19) VCF-style: chr11-8122484-T-G.
Other names: c.1345T>G, p.Phe449Val (NM_001440538.1, NM_001440539.1); c.1177T>G, p.Phe393Val (NM_001440540.1, NM_001440542.1); c.1159T>G, p.Phe387Val (NM_001440541.1); c.1492T>G, p.Phe498Val (NM_003320.5); short protein forms F498V, F393V, F387V, F443V, F449V.
Identifiers: ClinVar variation 4992546 (VCV004992546.1).